The following is an entry in ClinVar:

NM_016284.5(CNOT1):c.2585C>A (p.Pro862Gln)

Gene: CNOT1 (CCR4-NOT transcription complex subunit 1; minus strand). Cytogenetic location: 16q21.
Variant type: single nucleotide variant.
Coding change: c.2585C>A on transcript NM_016284.5 (MANE Select); coding-DNA position 2585, C replaced by A.
Protein change: p.Pro862Gln; replaces proline 862 with glutamine.
Molecular consequence: missense variant. On other transcripts: non-coding transcript variant (1).
Genome position (GRCh38, 1-based): chr16:58,555,803, G>T on the plus strand (C>A on the coding strand, the complement: CNOT1 is on the minus strand). VCF-style: chr16-58555803-G-T. GRCh37 (hg19) VCF-style: chr16-58589707-G-T.
Other names: c.2570C>A, p.Pro857Gln (NM_001265612.2); c.2585C>A, p.Pro862Gln (NM_206999.3); short protein forms P857Q, P862Q.
Identifiers: ClinVar variation 2581954 (VCV002581954.1), dbSNP rs1190693843, ClinGen allele CA396174882.
Genomic context (GRCh38, chr16:58,555,803, plus strand): 5'-TGGCCTAAACAATAAATAAGTAGATCATCCTAGACACTCACCTCATCAACAGACATGGTT[G>T]GATGTGGTGGATGATTATATATTCGCTGGAAATAGCTGTTTGCTTCATCATCTATCTCTT-3'
Protein context (NP_057368.3, residues 852-872): FQRIYNHPPH[Pro862Gln]TMSVDEVLEM

ClinVar aggregate classification (germline): Uncertain significance (1 of 4 stars; one submission).

Submission:

GeneDx
Classification: Uncertain significance. Last evaluated: 2023-03-24. Review status: criteria provided, single submitter. Criteria: GeneDx Variant Classification Process June 2021. Collection method: clinical testing. Allele origin: germline. Affected: yes.
Comment: Not observed at significant frequency in large population cohorts (gnomAD); In silico analysis supports that this missense variant has a deleterious effect on protein structure/function; Has not been previously published as pathogenic or benign to our knowledge